The following is an entry in ClinVar:

ClinVar aggregate classification (germline): Uncertain significance (1 of 4 stars; one submission).

Conditions:
ADCY3-related disorder. Also called: ADCY3-related condition.

Allele frequency attached by ClinVar (database versions not stated): ExAC 0.00001; gnomAD 0.00001; TOPMed 0.00001.
gnomAD v4.1: 32 of 1,613,026 alleles (0.002%); highest among the groups gnomAD compares: Non-Finnish European, 0.0025%; no homozygotes.

Submission:

PreventionGenetics, part of Exact Sciences
Classification: Uncertain significance for ADCY3-related condition. Last evaluated: 2023-08-10. Review status: criteria provided, single submitter. Criteria: ACMG Guidelines, 2015. Collection method: clinical testing. Allele origin: germline.
Comment: The ADCY3 c.2496-10C>T variant is predicted to interfere with splicing. To our knowledge, this variant has not been reported in the literature. This variant is reported in one out of ~250,000 alleles in gnomAD. This variant is predicted to alter splicing (SpliceAI, Jaganathan et al. 2019. PubMed ID: 30661751). At this time, the clinical significance of this variant is uncertain due to the absence of conclusive functional and genetic evidence.

NM_004036.5(ADCY3):c.2496-13C>T

Gene: ADCY3 (adenylate cyclase 3; minus strand). Cytogenetic location: 2p23.3.
Variant type: single nucleotide variant.
Coding change: c.2496-13C>T on transcript NM_004036.5 (MANE Select); 13 bases into the intron before coding-DNA position 2496, C replaced by T.
Molecular consequence: intron variant.
Genome position (GRCh38, 1-based): chr2:24,826,139, G>A on the plus strand (C>T on the coding strand, the complement: ADCY3 is on the minus strand). VCF-style: chr2-24826139-G-A. GRCh37 (hg19) VCF-style: chr2-25049008-G-A.
Other names: c.2173-1603C>T (NM_001377130.1); c.2358-13C>T (NM_001377129.1); c.2496-10C>T (NM_001320613.2); c.2562-13C>T (NM_001377128.1); c.2496-13C>T (NM_001377132.1); c.1773-13C>T (NM_001377131.1).
Identifiers: ClinVar variation 2631875 (VCV002631875.1), dbSNP rs748070365, ClinGen allele CA1553721.